The following is an entry in ClinVar:

NM_000393.5(COL5A2):c.3039+6T>A

Gene: COL5A2 (collagen type V alpha 2 chain; minus strand). Cytogenetic location: 2q32.2.
Variant type: single nucleotide variant.
Coding change: c.3039+6T>A on transcript NM_000393.5 (MANE Select); 6 bases into the intron after coding-DNA position 3039, T replaced by A.
Molecular consequence: intron variant.
Genome position (GRCh38, 1-based): chr2:189,050,563, A>T on the plus strand (T>A on the coding strand, the complement: COL5A2 is on the minus strand). VCF-style: chr2-189050563-A-T. GRCh37 (hg19) VCF-style: chr2-189915289-A-T.
Identifiers: ClinVar variation 3707209 (VCV003707209.2).
Genomic context (GRCh38, chr2:189,050,563, plus strand): 5'-AATCAATTCTCTAAACAATTTGTATTGCACATATGAGATAAAATATTGACCGATGCAGCT[A>T]CTCACCGCTGGGCCTGGTAGGCCGGGCATGCCTCTCTCTCCACGTTGCCCAGGCATGCCA-3'

ClinVar aggregate classification (germline): Uncertain significance (1 of 4 stars; one submission).

Conditions:
Ehlers-Danlos syndrome, classic type, 1 (EDSCL1). Also called: EHLERS-DANLOS SYNDROME, GRAVIS TYPE; EHLERS-DANLOS SYNDROME, SEVERE CLASSIC TYPE; Ehlers-Danlos syndrome, type 1; Ehlers-Danlos Syndrome, Classic Type, COL5A1-Related; EDS I. Identifiers: MedGen C0268335, MONDO:0019567, OMIM 130000.

gnomAD v4.1: 1 of 1,545,780 alleles (0.000065%); highest among the groups gnomAD compares: Non-Finnish European, 0.000088%; no homozygotes.

Submission:

Labcorp Genetics (formerly Invitae), Labcorp
Classification: Uncertain significance for Ehlers-Danlos syndrome, classic type, 1. Last evaluated: 2024-12-16. Review status: criteria provided, single submitter. Criteria: Invitae Variant Classification Sherloc (09022015). Collection method: clinical testing. Allele origin: germline.
Comment: This sequence change falls in intron 43 of the COL5A2 gene. It does not directly change the encoded amino acid sequence of the COL5A2 protein. It affects a nucleotide within the consensus splice site. This variant is not present in population databases (gnomAD no frequency). This variant has not been reported in the literature in individuals affected with COL5A2-related conditions. Variants that disrupt the consensus splice site are a relatively common cause of aberrant splicing (PMID: 17576681, 9536098). Algorithms developed to predict the effect of sequence changes on RNA splicing suggest that this variant is not likely to affect RNA splicing. In summary, the available evidence is currently insufficient to determine the role of this variant in disease. Therefore, it has been classified as a Variant of Uncertain Significance.

Literature cited by the submitters: PubMed 17576681; PubMed 9536098.